The following is an entry in ClinVar:

NM_198578.4(LRRK2):c.4664A>G (p.Gln1555Arg)

Gene: LRRK2 (leucine rich repeat kinase 2; plus strand). Cytogenetic location: 12q12.
Variant type: single nucleotide variant.
Coding change: c.4664A>G on transcript NM_198578.4 (MANE Select); coding-DNA position 4664, A replaced by G.
Protein change: p.Gln1555Arg; replaces glutamine 1555 with arginine.
Molecular consequence: missense variant.
Genome position (GRCh38, 1-based): chr12:40,314,099, A>G. VCF-style: chr12-40314099-A-G. GRCh37 (hg19) VCF-style: chr12-40707901-A-G.
Other names: short protein forms Q1555R.
Identifiers: ClinVar variation 3540542 (VCV003540542.1).

ClinVar aggregate classification (germline): Uncertain significance (1 of 4 stars; one submission).

Conditions:
Inborn genetic diseases. Identifiers: MedGen C0950123, MeSH D030342.

Submission:

Ambry Genetics
Classification: Uncertain significance for Inborn genetic diseases. Last evaluated: 2024-08-09. Review status: criteria provided, single submitter. Criteria: Ambry Variant Classification Scheme 2023. Collection method: clinical testing. Allele origin: germline.
Comment: The p.Q1555R variant (also known as c.4664A>G), located in coding exon 32 of the LRRK2 gene, results from an A to G substitution at nucleotide position 4664. The glutamine at codon 1555 is replaced by arginine, an amino acid with highly similar properties. This amino acid position is conserved. In addition, this alteration is predicted to be tolerated by in silico analysis. Based on the available evidence, the clinical significance of this variant remains unclear.